The following is an entry in ClinVar:

NC_000013.11:g.(?_51973915)_(51975188_?)del

Gene: ATP7B (ATPase copper transporting beta; minus strand). Cytogenetic location: 13q14.3.
Variant type: Deletion.
Identifiers: ClinVar variation 456550 (VCV000456550.1).

ClinVar aggregate classification (germline): Pathogenic (1 of 4 stars; one submission).

Conditions:
Wilson disease (WND). Also called: Wilson's disease. Identifiers: Orphanet 905, MedGen C0019202, MONDO:0010200, OMIM 277900. Disease mechanism: loss of function.

Submission:

Labcorp Genetics (formerly Invitae), Labcorp
Classification: Pathogenic for Wilson disease. Last evaluated: 2017-06-09. Review status: criteria provided, single submitter. Criteria: Invitae Variant Classification Sherloc (09022015). Collection method: clinical testing. Allele origin: germline.
Comment: This variant is an out-of-frame deletion of the genomic region encompassing exon 2 of the ATP7B gene. This creates a premature translational stop signal and is expected to result in an absent or disrupted protein product. This variant has been reported in combination with another ATP7B variant in two individuals affected with Wilson disease (PMID: 27398169). Loss-of-function variants in ATP7B are known to be pathogenic (PMID: 16283883, 10441329). For these reasons, this variant has been classified as Pathogenic.